The following is an entry in ClinVar:

ClinVar aggregate classification (germline): Benign/Likely benign. Review status: criteria provided, multiple submitters, no conflicts (2 of 4 stars). 4 submissions from 3 submitters: Benign (1); Likely benign (2). 1 of the submissions does not count toward it. Last evaluated 2024-11-27.

Conditions:
Cerebral cavernous malformation (CCM). Also called: CAVERNOUS ANGIOMA, FAMILIAL; CAVERNOUS ANGIOMATOUS MALFORMATIONS; CEREBRAL CAPILLARY MALFORMATIONS; Cerebral cavernous hemangioma (type); Cerebral cavernous malformations; Cavernous Hemangioma of Brain. Identifiers: Orphanet 221061, MedGen C2919945, MONDO:0000820, OMIM 116860, HP:0033522.
KRIT1-related disorder. Also called: KRIT1-related disorders; KRIT1-related condition.
Angiokeratoma corporis diffusum with arteriovenous fistulas. Identifiers: MedGen C1838141, MONDO:0010885, OMIM 600419.

Allele frequency attached by ClinVar (database versions not stated): gnomAD 0.00007 and 0.00029; gnomAD exomes 0.00014; 1000 Genomes Project 30x 0.00016; 1000 Genomes Project 0.00020; ExAC 0.00020; TOPMed 0.00085.
gnomAD v4.1: 161 of 1,441,554 alleles (0.011%); highest among the groups gnomAD compares: Middle Eastern, 0.1%; 1 homozygote.

Submissions (4):

Blueprint Genetics
Classification: Likely benign. Last evaluated: 2024-11-27. Review status: criteria provided, single submitter. Criteria: ACMG Guidelines, 2015. Collection method: clinical testing. Allele origin: germline.

Illumina Laboratory Services, Illumina
Classification: Benign for Angiokeratoma corporis diffusum with arteriovenous fistulas. Last evaluated: 2018-01-13. Review status: criteria provided, single submitter. Criteria: ICSL Variant Classification Criteria 13 December 2019. Collection method: clinical testing. Allele origin: germline.
Comment: This variant was observed in the ICSL laboratory as part of a predisposition screen in an ostensibly healthy population. It had not been previously curated by ICSL or reported in the Human Gene Mutation Database (HGMD: prior to June 1st, 2018), and was therefore a candidate for classification through an automated scoring system. Utilizing variant allele frequency, disease prevalence and penetrance estimates, and inheritance mode, an automated score was calculated to assess if this variant is too frequent to cause the disease. Based on the score and internal cut-off values, a variant classified as benign is not then subjected to further curation. The score for this variant resulted in a classification of benign for this disease.

Illumina Laboratory Services, Illumina
Classification: Likely benign for Cerebral cavernous malformation. Last evaluated: 2018-01-13. Review status: criteria provided, single submitter. Criteria: ICSL Variant Classification Criteria 13 December 2019. Collection method: clinical testing. Allele origin: germline.
Comment: This variant was observed in the ICSL laboratory as part of a predisposition screen in an ostensibly healthy population. It had not been previously curated by ICSL or reported in the Human Gene Mutation Database (HGMD: prior to June 1st, 2018), and was therefore a candidate for classification through an automated scoring system. Utilizing variant allele frequency, disease prevalence and penetrance estimates, and inheritance mode, an automated score was calculated to assess if this variant is too frequent to cause the disease. Based on the score and internal cut-off values, a variant classified as likely benign is not then subjected to further curation. The score for this variant resulted in a classification of likely benign for this disease.

PreventionGenetics, part of Exact Sciences
Classification: Likely benign for KRIT1-related condition. Last evaluated: 2019-06-24. Review status: no assertion criteria provided. Collection method: clinical testing. Allele origin: germline. Not counted in ClinVar's aggregate classification.
Comment: This variant is classified as likely benign based on ACMG/AMP sequence variant interpretation guidelines (Richards et al. 2015 PMID: 25741868, with internal and published modifications).

NM_194454.3(KRIT1):c.-2-7T>C

Gene: KRIT1 (KRIT1 ankyrin repeat containing; minus strand). Cytogenetic location: 7q21.2.
Variant type: single nucleotide variant.
Coding change: c.-2-7T>C on transcript NM_194454.3 (MANE Select); 7 bases into the intron before 2 bases upstream of the start codon, T replaced by C.
Molecular consequence: intron variant.
Genome position (GRCh38, 1-based): chr7:92,242,144, A>G on the plus strand (T>C on the coding strand, the complement: KRIT1 is on the minus strand). VCF-style: chr7-92242144-A-G. GRCh37 (hg19) VCF-style: chr7-91871458-A-G.
Other names: c.-2-7T>C (NM_001350672.1, NM_001350676.1, NM_001350673.1 and 29 more transcripts); c.-585-7T>C (NM_001350671.1).
Identifiers: ClinVar variation 360891 (VCV000360891.8), dbSNP rs550533414, ClinGen allele CA4339496.
Genomic context (GRCh38, chr7:92,242,144, plus strand): 5'-TTGGACGAATAACAGCAACATATGCATCTTCTATGTTTTCTGGATTTCCCATTGCTTTAC[A>G]AAACAAATAAAAAAATCCTTTGAAAGATTAAATGACACATTTGATGGCAAGATAAAAAAA-3'